The following is an entry in ClinVar:

NM_152296.5(ATP1A3):c.1302+1G>A

Gene: ATP1A3 (ATPase Na+/K+ transporting subunit alpha 3; minus strand). Cytogenetic location: 19q13.2.
Variant type: single nucleotide variant.
Coding change: c.1302+1G>A on transcript NM_152296.5 (MANE Select); the canonical splice donor site of the intron after coding-DNA position 1302, G replaced by A.
Molecular consequence: splice donor variant.
Genome position (GRCh38, 1-based): chr19:41,981,721, C>T on the plus strand (G>A on the coding strand, the complement: ATP1A3 is on the minus strand). VCF-style: chr19-41981721-C-T. GRCh37 (hg19) VCF-style: chr19-42485873-C-T.
Other names: c.1341+1G>A (NM_001256214.2); c.1335+1G>A (NM_001256213.2).
Identifiers: ClinVar variation 640165 (VCV000640165.7), dbSNP rs1599719130, ClinGen allele CA406050101.

ClinVar aggregate classification (germline): Likely pathogenic (1 of 4 stars; one submission).

Conditions:
Dystonia 12 (DYT12). Also called: Rapid-Onset Dystonia-Parkinsonism (RDP); DYT-ATP1A3. Identifiers: Orphanet 71517, MedGen C1868681, MONDO:0007496, OMIM 128235.

Submission:

Labcorp Genetics (formerly Invitae), Labcorp
Classification: Likely pathogenic for Dystonia 12. Last evaluated: 2021-11-01. Review status: criteria provided, single submitter. Criteria: Invitae Variant Classification Sherloc (09022015). Collection method: clinical testing. Allele origin: germline.
Comment: This sequence change affects a donor splice site in intron 10 of the ATP1A3 gene. It is expected to disrupt RNA splicing. Variants that disrupt the donor or acceptor splice site typically lead to a loss of protein function (PMID: 16199547), and loss-of-function variants in ATP1A3 are known to be pathogenic (PMID: 24983657, 24631656). This variant is not present in population databases (gnomAD no frequency). Disruption of this splice site has been observed in individual(s) with clinical features of ATP1A3-related conditions (Invitae). ClinVar contains an entry for this variant (Variation ID: 640165). Algorithms developed to predict the effect of sequence changes on RNA splicing suggest that this variant may disrupt the consensus splice site. In summary, the currently available evidence indicates that the variant is pathogenic, but additional data are needed to prove that conclusively. Therefore, this variant has been classified as Likely Pathogenic.

Literature cited by the submitters: PubMed 16199547; PubMed 24983657; PubMed 24631656.